The following is an entry in ClinVar:

NM_001134407.3(GRIN2A):c.2410A>G (p.Lys804Glu)

Gene: GRIN2A (glutamate ionotropic receptor NMDA type subunit 2A; minus strand). Cytogenetic location: 16p13.2.
Variant type: single nucleotide variant.
Coding change: c.2410A>G on transcript NM_001134407.3 (MANE Select); coding-DNA position 2410, A replaced by G.
Protein change: p.Lys804Glu; replaces lysine 804 with glutamic acid.
Molecular consequence: missense variant.
Genome position (GRCh38, 1-based): chr16:9,769,036, T>C on the plus strand (A>G on the coding strand, the complement: GRIN2A is on the minus strand). VCF-style: chr16-9769036-T-C. GRCh37 (hg19) VCF-style: chr16-9862893-T-C.
Other names: c.2410A>G, p.Lys804Glu (NM_000833.5, NM_001134408.2); short protein forms K804E.
Identifiers: ClinVar variation 3899690 (VCV003899690.1).

ClinVar aggregate classification (germline): Uncertain significance (1 of 4 stars; one submission).

Submission:

GeneDx
Classification: Uncertain significance. Last evaluated: 2024-11-15. Review status: criteria provided, single submitter. Criteria: GeneDx Variant Classification Process June 2021. Collection method: clinical testing. Allele origin: germline. Affected: yes.
Comment: Not observed at significant frequency in large population cohorts (gnomAD); In silico analysis supports that this missense variant has a deleterious effect on protein structure/function; Has not been previously published as pathogenic or benign to our knowledge